The following is an entry in ClinVar:

NM_002715.4(PPP2CA):c.373C>T (p.Gln125Ter)

Gene: PPP2CA (protein phosphatase 2 catalytic subunit alpha; minus strand). Cytogenetic location: 5q31.1.
Variant type: single nucleotide variant.
Coding change: c.373C>T on transcript NM_002715.4 (MANE Select); coding-DNA position 373, C replaced by T.
Protein change: p.Gln125Ter; replaces glutamine 125 with a stop codon.
Molecular consequence: nonsense. On other transcripts: non-coding transcript variant (1).
Genome position (GRCh38, 1-based): chr5:134,201,961, G>A on the plus strand (C>T on the coding strand, the complement: PPP2CA is on the minus strand). VCF-style: chr5-134201961-G-A. GRCh37 (hg19) VCF-style: chr5-133537652-G-A.
Other names: c.178C>T, p.Gln60Ter (NM_001355019.2); short protein forms Q125*, Q60*.
Identifiers: ClinVar variation 620080 (VCV000620080.4), dbSNP rs1561734790, ClinGen allele CA360993157.
Genomic context (GRCh38, chr5:134,201,961, plus strand): 5'-ATTTCCAAACATTTGCATTTCCATATTTTCTTAAACATTCATCATAGAAACCATAAACTT[G>A]TGTGATCTGTCTGCTCTCATGATTCCCTCGAAGAATGGTGATGCGTTCACGGTAACGAAC-3'

ClinVar aggregate classification (germline): Pathogenic. Review status: criteria provided, single submitter (1 of 4 stars). 2 submissions from 2 submitters: Pathogenic (1). 1 of the submissions does not count toward it. Last evaluated 2019-07-15.

Conditions:
Houge-Janssens syndrome 3. Also called: NEURODEVELOPMENTAL DISORDER AND LANGUAGE DELAY WITH OR WITHOUT STRUCTURAL BRAIN ABNORMALITIES. Identifiers: MedGen C5193048, MONDO:0032697, OMIM 618354.

Submissions (2):

SIB Swiss Institute of Bioinformatics
Classification: Pathogenic for Houge-Janssens syndrome 3. Last evaluated: 2019-07-15. Review status: criteria provided, single submitter. Criteria: ACMG Guidelines, 2015. Collection method: curation. Allele origin: unknown.
Comment: This variant is interpreted as a Pathogenic for Neurodevelopmental disorder and language delay with or without structural brain abnormalities, autosomal dominant. The following ACMG Tag(s) were applied: PM2, PM6, PVS1-Strong, PS3.

OMIM
Classification: Pathogenic for HOUGE-JANSSENS SYNDROME 3. Last evaluated: 2023-11-10. Review status: no assertion criteria provided. Collection method: literature only. Allele origin: germline. Not counted in ClinVar's aggregate classification.

Literature cited by the submitters: PubMed 30595372 (cited by SIB Swiss Institute of Bioinformatics and OMIM).